The following is an entry in ClinVar:

ClinVar aggregate classification (germline): Uncertain significance. Review status: criteria provided, multiple submitters, no conflicts (2 of 4 stars). 2 submissions from 2 submitters: Uncertain significance (2). Last evaluated 2024-08-06.

Conditions:
Aortic aneurysm, familial thoracic 4 (AAT4). Also called: AORTIC ANEURYSM/AORTIC DISSECTION AND PATENT DUCTUS ARTERIOSUS. Identifiers: MedGen C1851504, MONDO:0007568, OMIM 132900.
Familial thoracic aortic aneurysm and aortic dissection (TAAD). Also called: Thoracic aortic aneurysms and dissections. Identifiers: Orphanet 91387, MedGen C4707243, MONDO:0019625.

Submissions (2):

All of Us Research Program, National Institutes of Health
Classification: Uncertain significance for Familial thoracic aortic aneurysm and aortic dissection. Last evaluated: 2024-08-06. Review status: criteria provided, single submitter. Criteria: ACMG Guidelines, 2015. Collection method: clinical testing. Allele origin: germline. Inheritance: Autosomal dominant inheritance. Observed: 1 variant allele, 1 heterozygote.
Comment: This study involves interpretation of variants in research participants for the purpose of population health screening. Participant phenotype was not available at the time of variant classification. Additional details can be found in publication PMID: 35346344, PMCID: PMC8962531

Illumina Laboratory Services, Illumina
Classification: Uncertain significance for Aortic aneurysm, familial thoracic 4. Last evaluated: 2018-01-13. Review status: criteria provided, single submitter. Criteria: ICSL Variant Classification Criteria 13 December 2019. Collection method: clinical testing. Allele origin: germline.

NM_002474.3(MYH11):c.5155A>C (p.Ser1719Arg)

Genes: NDE1 (nudE neurodevelopment protein 1; plus strand), MYH11 (myosin heavy chain 11; minus strand). Cytogenetic location: 16p13.11.
Variant type: single nucleotide variant.
Coding change: c.5155A>C on transcript NM_002474.3 (MANE Select); coding-DNA position 5155, A replaced by C.
Protein change: p.Ser1719Arg; replaces serine 1719 with arginine.
Molecular consequence: missense variant. On other transcripts: intron variant (2).
Genome position (GRCh38, 1-based): chr16:15,719,236, T>G on the plus strand (A>C on the coding strand, the complement: MYH11 is on the minus strand). VCF-style: chr16-15719236-T-G. GRCh37 (hg19) VCF-style: chr16-15813093-T-G.
Other names: c.5176A>C, p.Ser1726Arg (NM_001040113.2, NM_001040114.2); c.5155A>C, p.Ser1719Arg (NM_022844.3); c.948-4955T>G (NM_001143979.2, NM_017668.3); short protein forms S1719R, S1726R.
Identifiers: ClinVar variation 888040 (VCV000888040.5), dbSNP rs2040335841, ClinGen allele CA394850705.